The following is an entry in ClinVar:

NM_004656.4(BAP1):c.660-14G>T

Gene: BAP1 (BRCA1 associated deubiquitinase 1; minus strand). Cytogenetic location: 3p21.1.
Variant type: single nucleotide variant.
Coding change: c.660-14G>T on transcript NM_004656.4 (MANE Select); 14 bases into the intron before coding-DNA position 660, G replaced by T.
Molecular consequence: intron variant.
Genome position (GRCh38, 1-based): chr3:52,406,390, C>A on the plus strand (G>T on the coding strand, the complement: BAP1 is on the minus strand). VCF-style: chr3-52406390-C-A. GRCh37 (hg19) VCF-style: chr3-52440406-C-A.
Other names: c.660-68G>T (NM_001410772.1).
Identifiers: ClinVar variation 3379200 (VCV003379200.1).

ClinVar aggregate classification (germline): Likely benign (1 of 4 stars; one submission).

Conditions:
BAP1-related tumor predisposition syndrome (TPDS1). Also called: BAP1 tumor predisposition syndrome; Tumor susceptibility linked to germline BAP1 mutations; COMMON Syndrome; TUMOR PREDISPOSITION SYNDROME 1. Identifiers: Orphanet 289539, MedGen C3280492, MONDO:0013692, OMIM 614327.

Submission:

Myriad Genetics, Inc.
Classification: Likely benign for BAP1-related tumor predisposition syndrome. Last evaluated: 2024-07-12. Review status: criteria provided, single submitter. Criteria: Myriad Autosomal Dominant, Autosomal Recessive and X-Linked Classification Criteria (2023). Collection method: clinical testing. Allele origin: unknown.
Comment: This variant is considered likely benign. This variant is intronic and is not expected to impact mRNA splicing.